The following is an entry in ClinVar:

NM_020436.5(SALL4):c.1718G>A (p.Arg573Gln)

Gene: SALL4 (spalt like transcription factor 4; minus strand). Cytogenetic location: 20q13.2.
Variant type: single nucleotide variant.
Coding change: c.1718G>A on transcript NM_020436.5 (MANE Select); coding-DNA position 1718, G replaced by A.
Protein change: p.Arg573Gln; replaces arginine 573 with glutamine.
Molecular consequence: missense variant. On other transcripts: intron variant (1).
Genome position (GRCh38, 1-based): chr20:51,790,765, C>T on the plus strand (G>A on the coding strand, the complement: SALL4 is on the minus strand). VCF-style: chr20-51790765-C-T. GRCh37 (hg19) VCF-style: chr20-50407304-C-T.
Other names: c.1150+568G>A (NM_001318031.2); short protein forms R573Q.
Identifiers: ClinVar variation 2823244 (VCV002823244.3), dbSNP rs1347193361, ClinGen allele CA409009357.
Genomic context (GRCh38, chr20:51,790,765, plus strand): 5'-GGTCTCTCCCCGGTGTGGGTGCGATAATGCATCTTGAGGGAGCTCTGACAGCTTAAGACT[C>T]GGTGGCAAATGAGACATTCGTTGGGATCAGTGGTGGCCTTGTCAATGTTCTCCACCAACT-3'
Protein context (NP_065169.1, residues 563-583): TDPNECLICH[Arg573Gln]VLSCQSSLKM

ClinVar aggregate classification (germline): Uncertain significance (1 of 4 stars; one submission).

Conditions:
Duane-radial ray syndrome (DRRS). Also called: ACRORENOOCULAR SYNDROME; DR SYNDROME; DUANE ANOMALY WITH RADIAL RAY ABNORMALITIES AND DEAFNESS; Okihiro Syndrome; Duane-Radial Ray Syndrome/Okihiro Syndrome; Duane-Radial Ray Syndrome (DRRS) / Okihiro Syndrome. Identifiers: Orphanet 93293, Orphanet 959, MedGen C1623209, MONDO:0011812, OMIM 607323. Disease mechanism: gain of function.

Allele frequency attached by ClinVar (database versions not stated): gnomAD exomes below 0.00001; TOPMed 0.00001.
gnomAD v4.1: 4 of 1,614,082 alleles (0.00025%); highest among the groups gnomAD compares: African/African-American, 0.0013%; no homozygotes.

Submission:

Labcorp Genetics (formerly Invitae), Labcorp
Classification: Uncertain significance for Duane-radial ray syndrome. Last evaluated: 2024-10-24. Review status: criteria provided, single submitter. Criteria: Invitae Variant Classification Sherloc (09022015). Collection method: clinical testing. Allele origin: germline.
Comment: This sequence change replaces arginine, which is basic and polar, with glutamine, which is neutral and polar, at codon 573 of the SALL4 protein (p.Arg573Gln). This variant is present in population databases (no rsID available, gnomAD 0.007%). This variant has not been reported in the literature in individuals affected with SALL4-related conditions. An algorithm developed to predict the effect of missense changes on protein structure and function (PolyPhen-2) suggests that this variant is likely to be disruptive. In summary, the available evidence is currently insufficient to determine the role of this variant in disease. Therefore, it has been classified as a Variant of Uncertain Significance.